The following is an entry in ClinVar:

ClinVar aggregate classification (germline): Pathogenic (1 of 4 stars; one submission).

Conditions:
Primary ciliary dyskinesia 3. Identifiers: Orphanet 244, MedGen C1837618, MONDO:0012085, OMIM 608644.

Submission:

Myriad Genetics, Inc.
Classification: Pathogenic for Primary ciliary dyskinesia 3. Last evaluated: 2024-05-14. Review status: criteria provided, single submitter. Criteria: Myriad Autosomal Dominant, Autosomal Recessive and X-Linked Classification Criteria (2023). Collection method: clinical testing. Allele origin: unknown.
Comment: NM_001369.2(DNAH5):c.12613_12614del2ins16(G4205Sfs*46) is expected to be pathogenic in the context of primary ciliary dyskinesia, DNAH5-related. This variant is predicted to lead to an abnormal or absent protein product due to the creation of a premature termination codon in DNAH5, a gene where loss-of-function variants are known to be pathogenic. Please note: this variant was assessed in the context of healthy population screening.

NM_001369.3(DNAH5):c.12613_12614delinsTCTCTTATACACATCT (p.Gly4205fs)

Gene: DNAH5 (dynein axonemal heavy chain 5; minus strand). Cytogenetic location: 5p15.2.
Variant type: Indel.
Coding change: c.12613_12614delinsTCTCTTATACACATCT on transcript NM_001369.3 (MANE Select); coding-DNA positions 12613 to 12614, GG replaced by TCTCTTATACACATCT.
Protein change: p.Gly4205fs; shifts the reading frame from glycine 4205.
Molecular consequence: frameshift variant.
Genome position (GRCh38, 1-based): chr5:13,717,406-13,717,407, CC replaced by AGATGTGTATAAGAGA on the plus strand (GG replaced by TCTCTTATACACATCT on the coding strand, the reverse complement: DNAH5 is on the minus strand). VCF-style: chr5-13717406-CC-AGATGTGTATAAGAGA. GRCh37 (hg19) VCF-style: chr5-13717515-CC-AGATGTGTATAAGAGA.
Other names: short protein forms G4205fs.
Identifiers: ClinVar variation 5010537 (VCV005010537.1).